The following is an entry in ClinVar:

NM_138386.3(NAF1):c.235C>G (p.Pro79Ala)

Gene: NAF1 (nuclear assembly factor 1 ribonucleoprotein; minus strand). Cytogenetic location: 4q32.2.
Variant type: single nucleotide variant.
Coding change: c.235C>G on transcript NM_138386.3 (MANE Select); coding-DNA position 235, C replaced by G.
Protein change: p.Pro79Ala; replaces proline 79 with alanine.
Molecular consequence: missense variant.
Genome position (GRCh38, 1-based): chr4:163,166,493, G>C on the plus strand (C>G on the coding strand, the complement: NAF1 is on the minus strand). VCF-style: chr4-163166493-G-C. GRCh37 (hg19) VCF-style: chr4-164087645-G-C.
Other names: c.235C>G, p.Pro79Ala (NM_001128931.2); short protein forms P79A.
Identifiers: ClinVar variation 3628845 (VCV003628845.2).
Genomic context (GRCh38, chr4:163,166,493, plus strand): 5'-GGGAGGTGACGCAGTCTCCGCAGGCCGGCGATTCAGCCGGTGGCTGTGGCTGCGGCGCCG[G>C]GGTCCCGGCCGCGACGGCGTTCAGAACGGGCTGCAGAGGCTGCTCCCCGGCAGGCTTAAC-3'
Protein context (NP_612395.2, residues 69-89): PVLNAVAAGT[Pro79Ala]APQPQPPAES

ClinVar aggregate classification (germline): Uncertain significance (1 of 4 stars; one submission).

gnomAD v4.1: 2 of 1,599,514 alleles (0.00013%); highest among the groups gnomAD compares: South Asian, 0.0011%; no homozygotes.

Submission:

Labcorp Genetics (formerly Invitae), Labcorp
Classification: Uncertain significance. Last evaluated: 2024-11-13. Review status: criteria provided, single submitter. Criteria: Invitae Variant Classification Sherloc (09022015). Collection method: clinical testing. Allele origin: germline.
Comment: This sequence change replaces proline, which is neutral and non-polar, with alanine, which is neutral and non-polar, at codon 79 of the NAF1 protein (p.Pro79Ala). This variant is present in population databases (no rsID available, gnomAD 0.001%). This variant has not been reported in the literature in individuals affected with NAF1-related conditions. An algorithm developed to predict the effect of missense changes on protein structure and function (PolyPhen-2) suggests that this variant is likely to be tolerated. In summary, the available evidence is currently insufficient to determine the role of this variant in disease. Therefore, it has been classified as a Variant of Uncertain Significance.